The following is an entry in ClinVar:

NM_003185.4(TAF4):c.1290del (p.Val431fs)

Gene: TAF4 (TATA-box binding protein associated factor 4; minus strand). Cytogenetic location: 20q13.33.
Variant type: Deletion.
Coding change: c.1290del on transcript NM_003185.4 (MANE Select); coding-DNA position 1290, one base deleted (C; older notation c.1290delC).
Protein change: p.Val431fs; shifts the reading frame from valine 431.
Molecular consequence: frameshift variant.
Genome position (GRCh38, 1-based): chr20:62,064,521, G deleted on the plus strand (C on the coding strand, the reverse complement: TAF4 is on the minus strand); the first of 2 consecutive G bases (chr20:62,064,521-62,064,522); deleting either gives the same sequence. VCF-style (leftmost placement, unchanged base first): chr20-62064520-CG-C. GRCh37 (hg19) VCF-style: chr20-60639576-CG-C.
Other names: short protein forms V431fs.
Identifiers: ClinVar variation 3765856 (VCV003765856.1).

ClinVar aggregate classification (germline): Likely pathogenic (1 of 4 stars; one submission).

Conditions:
Intellectual developmental disorder, autosomal dominant 73 (MRD73). Also called: TAF4-RELATED NDD; TAF4-RELATED NEURODEVELOPMENTAL DISORDER. Identifiers: MedGen C5830636, MONDO:0957536, OMIM 620450.

Submission:

Greenwood Genetic Center Diagnostic Laboratories, Greenwood Genetic Center
Classification: Likely pathogenic for Intellectual developmental disorder, autosomal dominant 73. Last evaluated: 2024-07-19. Review status: criteria provided, single submitter. Criteria: ACMG Guidelines, 2015. Collection method: clinical testing. Allele origin: germline. Affected: yes.
Comment: PVS1, PM2